The following is an entry in ClinVar:

NM_032043.3(BRIP1):c.390A>G (p.Glu130=)

Gene: BRIP1 (BRCA1 interacting DNA helicase 1; minus strand). Cytogenetic location: 17q23.2.
Variant type: single nucleotide variant.
Coding change: c.390A>G on transcript NM_032043.3 (MANE Select); coding-DNA position 390, A replaced by G.
Protein change: p.Glu130=; no amino-acid change (glutamic acid 130 retained).
Molecular consequence: synonymous variant.
Genome position (GRCh38, 1-based): chr17:61,849,246, T>C on the plus strand (A>G on the coding strand, the complement: BRIP1 is on the minus strand). VCF-style: chr17-61849246-T-C. GRCh37 (hg19) VCF-style: chr17-59926607-T-C.
Identifiers: ClinVar variation 3378514 (VCV003378514.2).

ClinVar aggregate classification (germline): Benign/Likely benign. Review status: criteria provided, multiple submitters, no conflicts (2 of 4 stars). 2 submissions from 2 submitters: Benign (1); Likely benign (1). Last evaluated 2026-02-01.

Conditions:
Familial cancer of breast. Also called: BREAST CANCER, FAMILIAL; Hereditary breast cancer; hereditary breast carcinoma. Identifiers: Orphanet 227535, MedGen C0346153, MONDO:0016419, OMIM 114480. Disease mechanism: loss of function.
Hereditary cancer-predisposing syndrome. Also called: Hereditary neoplastic syndrome; Tumor predisposition; Neoplastic Syndromes, Hereditary; Hereditary Cancer Syndrome. Identifiers: Orphanet 140162, MedGen C0027672, MeSH D009386, MONDO:0015356.

Submissions (2):

Ambry Genetics
Classification: Likely benign for Hereditary cancer-predisposing syndrome. Last evaluated: 2026-02-01. Review status: criteria provided, single submitter. Criteria: Ambry Variant Classification Scheme 2023. Collection method: clinical testing. Allele origin: germline.

Myriad Genetics, Inc.
Classification: Benign for Familial cancer of breast. Last evaluated: 2024-08-21. Review status: criteria provided, single submitter. Criteria: Myriad Autosomal Dominant, Autosomal Recessive and X-Linked Classification Criteria (2023). Collection method: clinical testing. Allele origin: unknown.
Comment: This variant is considered benign. This variant is a silent/synonymous amino acid change and it is not expected to impact splicing.